The following is an entry in ClinVar:

NM_001375808.2(LPIN2):c.*685T>A

Gene: LPIN2 (lipin 2; minus strand). Cytogenetic location: 18p11.31.
Variant type: single nucleotide variant.
Coding change: c.*685T>A on transcript NM_001375808.2 (MANE Select); 685 bases downstream of the stop codon, T replaced by A.
Molecular consequence: 3 prime UTR variant.
Genome position (GRCh38, 1-based): chr18:2,919,608, A>T on the plus strand (T>A on the coding strand, the complement: LPIN2 is on the minus strand). VCF-style: chr18-2919608-A-T. GRCh37 (hg19) VCF-style: chr18-2919606-A-T.
Other names: c.*685T>A (NM_001375809.1, NM_014646.2).
Identifiers: ClinVar variation 326612 (VCV000326612.6), dbSNP rs607549, ClinGen allele CA10641256.

ClinVar aggregate classification (germline): Benign. Review status: criteria provided, multiple submitters, no conflicts (2 of 4 stars). 2 submissions from 2 submitters: Benign (2). Last evaluated 2018-01-13.

Conditions:
Majeed syndrome (MJDS). Also called: CHRONIC RECURRENT MULTIFOCAL OSTEOMYELITIS 1, WITH CONGENITAL DYSERYTHROPOIETIC ANEMIA, WITH OR WITHOUT NEUTROPHILIC DERMATOSIS; LPIN2-Related Majeed Syndrome. Identifiers: Orphanet 77297, MedGen C1864997, MONDO:0012316, OMIM 609628.

Allele frequency attached by ClinVar (database versions not stated): 1000 Genomes Project 30x 0.69019; 1000 Genomes Project 0.69129; TOPMed 0.70710; gnomAD 0.71526; gnomAD exomes 0.72838.
gnomAD v4.1: 109,488 of 153,820 alleles (71%); highest among the groups gnomAD compares: Non-Finnish European, 75%; 39,049 homozygotes.

Submissions (2):

Illumina Laboratory Services, Illumina
Classification: Benign for Majeed syndrome. Last evaluated: 2018-01-13. Review status: criteria provided, single submitter. Criteria: ICSL Variant Classification Criteria 13 December 2019. Collection method: clinical testing. Allele origin: germline.
Comment: This variant was observed in the ICSL laboratory as part of a predisposition screen in an ostensibly healthy population. It had not been previously curated by ICSL or reported in the Human Gene Mutation Database (HGMD: prior to June 1st, 2018), and was therefore a candidate for classification through an automated scoring system. Utilizing variant allele frequency, disease prevalence and penetrance estimates, and inheritance mode, an automated score was calculated to assess if this variant is too frequent to cause the disease. Based on the score and internal cut-off values, a variant classified as benign is not then subjected to further curation. The score for this variant resulted in a classification of benign for this disease.

Breakthrough Genomics
Classification: Benign. Review status: criteria provided, single submitter. Criteria: ACMG Guidelines, 2015. Collection method: not provided. Allele origin: germline. Inheritance: Unknown mechanism. Affected: yes.